The following is an entry in ClinVar:

ClinVar aggregate classification (germline): not provided (0 of 4 stars; one submission).

Conditions:
Small for gestational age. Also called: Low birth weight. Identifiers: MedGen C0235991, HP:0001518.

Submission:

Institute of Molecular and Cell Biology, University of Tartu
No classification provided. Condition: Small for gestational age. Review status: no classification provided. Collection method: case-control. Allele origin: unknown. Affected: yes. Study: Kasak2014.
Comment: The study aimed to determine the contribution of copy number variants in the genetic etiology of normal and complicated pregnancies. The samples represented (i) maternal blood DNA drawn from healthy pregnant women during 1st or 2nd trimester and (ii) maternal and paternal blood DNA drawn at term pregnancy cases representing normal and complicated gestations (severe preeclampsia, PE; gestational diabetes, GD; small-for-gestational age newborn, SGA; large-for-gestational age newborn, LGA). We performed CNV calling based on genome-wide genotyping dataset (Illumina HumanOmniExpress-24-v1 BeadChip) by applying three algorithms, QuantiSNP, GADA (Genome Alteration Detection Algorithm) and CNstream in parallel. The acquired CNV calls were merged with HD-CNV (Hotspot Detector for Copy Number Variants) program and only the CNVs predicted by at least two programs, were considered in subsequent analysis.

Literature cited by the submitters: PubMed 25666259.

NC_000011.10:g.104495361_104501590del

Variant type: Deletion.
Genome position: GRCh38: chr11:104,495,361-104,501,590. GRCh37 (hg19): chr11:104,366,089-104,372,318.
Identifiers: ClinVar variation 157223 (VCV000157223.3), ClinGen allele CA212312.